The following is an entry in ClinVar:

NM_020822.3(KCNT1):c.1200+15C>T

Gene: KCNT1 (potassium sodium-activated channel subfamily T member 1; plus strand). Cytogenetic location: 9q34.3.
Variant type: single nucleotide variant.
Coding change: c.1200+15C>T on transcript NM_020822.3 (MANE Select); 15 bases into the intron after coding-DNA position 1200, C replaced by T.
Molecular consequence: intron variant.
Genome position (GRCh38, 1-based): chr9:135,765,210, C>T. VCF-style: chr9-135765210-C-T. GRCh37 (hg19) VCF-style: chr9-138657056-C-T.
Other names: c.1065+15C>T (NM_001272003.2).
Identifiers: ClinVar variation 385635 (VCV000385635.12), dbSNP rs138631641, ClinGen allele CA5326798.

ClinVar aggregate classification (germline): Benign/Likely benign. Review status: criteria provided, multiple submitters, no conflicts (2 of 4 stars). 5 submissions from 4 submitters: Benign (3); Likely benign (2). Last evaluated 2025-12-13.

Conditions:
Autosomal dominant nocturnal frontal lobe epilepsy 5. Also called: KCNT1-Related Epilepsy; CILIARY DYSKINESIA, PRIMARY, 28, WITHOUT SITUS INVERSUS; CILIARY DYSKINESIA, PRIMARY, 28, WITH SITUS INVERSUS; Epilepsy, nocturnal frontal lobe, 5. Identifiers: Orphanet 98784, MedGen C3554306, MONDO:0014002, OMIM 615005.
Developmental and epileptic encephalopathy, 14 (DEE14). Also called: Early infantile epileptic encephalopathy 14. Identifiers: Orphanet 293181, MedGen C3554195, MONDO:0013989, OMIM 614959.

Allele frequency attached by ClinVar (database versions not stated): gnomAD 0.00006 and 0.00013; ESP Exome Variant Server 0.00008; gnomAD exomes 0.00012 and 0.00025; TOPMed 0.00019; ExAC 0.00028; 1000 Genomes Project 30x 0.00078; 1000 Genomes Project 0.00100.
gnomAD v4.1: 199 of 1,603,332 alleles (0.012%); highest among the groups gnomAD compares: East Asian, 0.16%; 1 homozygote.

Submissions (5):

Labcorp Genetics (formerly Invitae), Labcorp
Classification: Benign for Autosomal dominant nocturnal frontal lobe epilepsy 5; Developmental and epileptic encephalopathy, 14. Last evaluated: 2025-12-13. Review status: criteria provided, single submitter. Criteria: Invitae Variant Classification Sherloc (09022015). Collection method: clinical testing. Allele origin: germline.

Blueprint Genetics
Classification: Likely benign. Last evaluated: 2024-10-30. Review status: criteria provided, single submitter. Criteria: ACMG Guidelines, 2015. Collection method: clinical testing. Allele origin: germline.

Genome-Nilou Lab
Classification: Benign for Developmental and epileptic encephalopathy, 14. Last evaluated: 2022-03-15. Review status: criteria provided, single submitter. Criteria: ACMG Guidelines, 2015. Collection method: clinical testing. Allele origin: germline. Affected: no.

Genome-Nilou Lab
Classification: Benign for Autosomal dominant nocturnal frontal lobe epilepsy 5. Last evaluated: 2022-03-15. Review status: criteria provided, single submitter. Criteria: ACMG Guidelines, 2015. Collection method: clinical testing. Allele origin: germline. Affected: no.

GeneDx
Classification: Likely benign. Last evaluated: 2018-01-02. Review status: criteria provided, single submitter. Criteria: GeneDx Variant Classification (06012015). Collection method: clinical testing. Allele origin: germline. Affected: yes.
Comment: This variant is considered likely benign or benign based on one or more of the following criteria: it is a conservative change, it occurs at a poorly conserved position in the protein, it is predicted to be benign by multiple in silico algorithms, and/or has population frequency not consistent with disease.